The following is an entry in ClinVar:

ClinVar aggregate classification (germline): Uncertain significance (1 of 4 stars; one submission).

Conditions:
Cranioectodermal dysplasia 2 (CED2). Identifiers: Orphanet 1515, MedGen C3150874, MONDO:0013323, OMIM 613610.
Short-rib thoracic dysplasia 7 with or without polydactyly (SRTD7). Also called: Short rib polydactyly syndrome 5; SHORT-RIB THORACIC DYSPLASIA 7 WITH POLYDACTYLY. Identifiers: Orphanet 498497, Orphanet 93271, MedGen C3279792, MONDO:0013569, OMIM 614091.

Allele frequency attached by ClinVar (database versions not stated): gnomAD exomes below 0.00001.
gnomAD v4.1: 1 of 1,610,040 alleles (0.000062%); highest among the groups gnomAD compares: South Asian, 0.0011%; no homozygotes.

Submission:

Labcorp Genetics (formerly Invitae), Labcorp
Classification: Uncertain significance for Cranioectodermal dysplasia 2; Short-rib thoracic dysplasia 7 with or without polydactyly. Last evaluated: 2022-09-16. Review status: criteria provided, single submitter. Criteria: Invitae Variant Classification Sherloc (09022015). Collection method: clinical testing. Allele origin: germline.
Comment: This sequence change replaces methionine, which is neutral and non-polar, with isoleucine, which is neutral and non-polar, at codon 239 of the WDR35 protein (p.Met239Ile). This variant is not present in population databases (gnomAD no frequency). This variant has not been reported in the literature in individuals affected with WDR35-related conditions. Advanced modeling of protein sequence and biophysical properties (such as structural, functional, and spatial information, amino acid conservation, physicochemical variation, residue mobility, and thermodynamic stability) performed at Invitae indicates that this missense variant is expected to disrupt WDR35 protein function. In summary, the available evidence is currently insufficient to determine the role of this variant in disease. Therefore, it has been classified as a Variant of Uncertain Significance.

NM_020779.4(WDR35):c.717G>A (p.Met239Ile)

Gene: WDR35 (WD repeat domain 35; minus strand). Cytogenetic location: 2p24.1.
Variant type: single nucleotide variant.
Coding change: c.717G>A on transcript NM_020779.4 (MANE Select); coding-DNA position 717, G replaced by A.
Protein change: p.Met239Ile; replaces methionine 239 with isoleucine.
Molecular consequence: missense variant.
Genome position (GRCh38, 1-based): chr2:19,974,487, C>T on the plus strand (G>A on the coding strand, the complement: WDR35 is on the minus strand). VCF-style: chr2-19974487-C-T. GRCh37 (hg19) VCF-style: chr2-20174248-C-T.
Other names: c.717G>A, p.Met239Ile (NM_001006657.2); short protein forms M239I.
Identifiers: ClinVar variation 2091206 (VCV002091206.4), dbSNP rs866797378, ClinGen allele CA43426930.